The following is an entry in ClinVar:

ClinVar aggregate classification (germline): Likely benign. Review status: criteria provided, multiple submitters, no conflicts (2 of 4 stars). 2 submissions from 2 submitters: Likely benign (2). Last evaluated 2026-01-14.

Conditions:
Dilated cardiomyopathy 1G (CMD1G). Identifiers: Orphanet 154, MedGen C1858763, MONDO:0011400, OMIM 604145.
Autosomal recessive limb-girdle muscular dystrophy type 2J (LGMDR10). Also called: Limb-girdle muscular dystrophy, type 2J; MUSCULAR DYSTROPHY, LIMB-GIRDLE, AUTOSOMAL RECESSIVE 10. Identifiers: Orphanet 140922, MedGen C1837342, MONDO:0012127, OMIM 608807.

Allele frequency attached by ClinVar (database versions not stated): gnomAD exomes below 0.00001 and 0.00001; TOPMed below 0.00001; ExAC 0.00001; gnomAD 0.00001.
gnomAD v4.1: 4 of 1,554,328 alleles (0.00026%); highest among the groups gnomAD compares: Middle Eastern, 0.017%; no homozygotes.

Submissions (2):

Labcorp Genetics (formerly Invitae), Labcorp
Classification: Likely benign for Dilated cardiomyopathy 1G; Autosomal recessive limb-girdle muscular dystrophy type 2J. Last evaluated: 2026-01-14. Review status: criteria provided, single submitter. Criteria: Invitae Variant Classification Sherloc (09022015). Collection method: clinical testing. Allele origin: germline.

GeneDx
Classification: Likely benign. Last evaluated: 2017-01-19. Review status: criteria provided, single submitter. Criteria: GeneDx Variant Classification (06012015). Collection method: clinical testing. Allele origin: germline. Affected: yes.
Comment: This variant is considered likely benign or benign based on one or more of the following criteria: it is a conservative change, it occurs at a poorly conserved position in the protein, it is predicted to be benign by multiple in silico algorithms, and/or has population frequency not consistent with disease.

NM_001267550.2(TTN):c.34581C>G (p.Leu11527=)

Gene: TTN (titin; minus strand). Cytogenetic location: 2q31.2.
Variant type: single nucleotide variant.
Coding change: c.34581C>G on transcript NM_001267550.2 (MANE Select); coding-DNA position 34581, C replaced by G.
Protein change: p.Leu11527=; no amino-acid change (leucine 11527 retained).
Molecular consequence: synonymous variant. On other transcripts: intron variant (3).
Genome position (GRCh38, 1-based): chr2:178,675,070, G>C on the plus strand (C>G on the coding strand, the complement: TTN is on the minus strand). VCF-style: chr2-178675070-G-C. GRCh37 (hg19) VCF-style: chr2-179539797-G-C.
Other names: c.33459C>G, p.Leu11153= (NM_001256850.1); c.30678C>G, p.Leu10226= (NM_133378.4); c.13283-32753C>G (NM_003319.4); c.13859-32753C>G (NM_133437.4); c.13658-32753C>G (NM_133432.3).
Identifiers: ClinVar variation 506797 (VCV000506797.8), dbSNP rs781699559, ClinGen allele CA1998035.